The following is an entry in ClinVar:

ClinVar aggregate classification (germline): Uncertain significance (1 of 4 stars; one submission).

Conditions:
Long QT syndrome (LQTS). Identifiers: MedGen C0023976, MeSH D008133, MONDO:0002442. Disease mechanism: loss of function. Inheritance: Various modes of inheritance.

Allele frequency attached by ClinVar (database versions not stated): gnomAD exomes 0.00001.
gnomAD v4.1: 7 of 1,614,030 alleles (0.00043%); highest among the groups gnomAD compares: Non-Finnish European, 0.00059%; no homozygotes.

Submission:

Labcorp Genetics (formerly Invitae), Labcorp
Classification: Uncertain significance for Long QT syndrome. Last evaluated: 2022-02-21. Review status: criteria provided, single submitter. Criteria: Invitae Variant Classification Sherloc (09022015). Collection method: clinical testing. Allele origin: germline.
Comment: In summary, the available evidence is currently insufficient to determine the role of this variant in disease. Therefore, it has been classified as a Variant of Uncertain Significance. Algorithms developed to predict the effect of missense changes on protein structure and function (SIFT, PolyPhen-2, Align-GVGD) all suggest that this variant is likely to be tolerated. This variant has not been reported in the literature in individuals affected with KCNH2-related conditions. This variant is not present in population databases (gnomAD no frequency). This sequence change replaces proline, which is neutral and non-polar, with leucine, which is neutral and non-polar, at codon 157 of the KCNH2 protein (p.Pro157Leu).

NM_000238.4(KCNH2):c.470C>T (p.Pro157Leu)

Gene: KCNH2 (potassium voltage-gated channel subfamily H member 2; minus strand). Cytogenetic location: 7q36.1.
Variant type: single nucleotide variant.
Coding change: c.470C>T on transcript NM_000238.4 (MANE Select); coding-DNA position 470, C replaced by T.
Protein change: p.Pro157Leu; replaces proline 157 with leucine.
Molecular consequence: missense variant.
Genome position (GRCh38, 1-based): chr7:150,959,574, G>A on the plus strand (C>T on the coding strand, the complement: KCNH2 is on the minus strand). VCF-style: chr7-150959574-G-A. GRCh37 (hg19) VCF-style: chr7-150656662-G-A.
Other names: c.182C>T, p.Pro61Leu (NM_001406753.1, NM_001406756.1); c.293C>T, p.Pro98Leu (NM_001406755.1); c.170C>T, p.Pro57Leu (NM_001406757.1); c.470C>T, p.Pro157Leu (NM_172056.3); short protein forms P157L, P98L, P61L, P57L.
Identifiers: ClinVar variation 1982556 (VCV001982556.4), dbSNP rs2486099895, ClinGen allele CA369863590.
Genomic context (GRCh38, chr7:150,959,574, plus strand): 5'-AGCCCCAAAGAAATGAGACCACGAACCCCTGAGCCTGCCCTAAAGCAAGTACACTTACCT[G>A]GGGCCAGCCAGCTGGTGGGGGGGCCCCGGTGGTTGGTGTCATGAGCCGGGGACCCCACCA-3'
Protein context (NP_000229.1, residues 147-167): HRGPPTSWLA[Pro157Leu]GRAKTFRLKL